The following is an entry in ClinVar:

NM_181453.4(GCC2):c.3930+4C>T

Gene: GCC2 (GRIP and coiled-coil domain containing 2; plus strand). Cytogenetic location: 2q12.3.
Variant type: single nucleotide variant.
Coding change: c.3930+4C>T on transcript NM_181453.4 (MANE Select); 4 bases into the intron after coding-DNA position 3930, C replaced by T.
Molecular consequence: intron variant.
Genome position (GRCh38, 1-based): chr2:108,486,652, C>T. VCF-style: chr2-108486652-C-T. GRCh37 (hg19) VCF-style: chr2-109103108-C-T.
Other names: c.3627+4C>T (NM_001410194.1).
Identifiers: ClinVar variation 3060943 (VCV003060943.2), dbSNP rs3754925, ClinGen allele CA1821129.

ClinVar aggregate classification (germline): Benign (0 of 4 stars; one submission).

Conditions:
GCC2-related disorder. Also called: GCC2-related condition.

Allele frequency attached by ClinVar (database versions not stated): 1000 Genomes Project 30x 0.43457; 1000 Genomes Project 0.44369; ExAC 0.44504; ESP Exome Variant Server 0.32908; gnomAD 0.37214; TOPMed 0.37992; gnomAD exomes 0.41425.
gnomAD v4.1: 658,403 of 1,605,454 alleles (41%); highest among the groups gnomAD compares: East Asian, 85%; 143,977 homozygotes.

Submission:

PreventionGenetics, part of Exact Sciences
Classification: Benign for GCC2-related condition. Last evaluated: 2019-10-17. Review status: no assertion criteria provided. Collection method: clinical testing. Allele origin: germline.
Comment: This variant is classified as benign based on ACMG/AMP sequence variant interpretation guidelines (Richards et al. 2015 PMID: 25741868, with internal and published modifications).